The following is an entry in ClinVar:

ClinVar aggregate classification (germline): Likely pathogenic (1 of 4 stars; one submission).

Conditions:
Hermansky-Pudlak syndrome 3 (HPS3). Identifiers: Orphanet 231512, Orphanet 79430, MedGen C3888001, MONDO:0013555, OMIM 614072.

Submission:

Myriad Genetics, Inc.
Classification: Likely pathogenic for Hermansky-Pudlak syndrome 3. Last evaluated: 2022-03-15. Review status: criteria provided, single submitter. Criteria: Myriad Women's Health Autosomal Recessive and X-Linked Classification Criteria (2021). Collection method: clinical testing. Allele origin: unknown.
Comment: NM_032383.3(HPS3):c.931A>T(K311*) is expected to be pathogenic in the context of Hermansky-Pudlak syndrome type 3. This variant is predicted to lead to an abnormal or absent protein product due to the creation of a premature termination codon in HPS3, a gene where loss-of-function variants are known to be pathogenic. Please note: this variant was assessed in the context of healthy population screening.

NM_032383.5(HPS3):c.931A>T (p.Lys311Ter)

Gene: HPS3 (HPS3 biogenesis of lysosomal organelles complex 2 subunit 1; plus strand). Cytogenetic location: 3q24.
Variant type: single nucleotide variant.
Coding change: c.931A>T on transcript NM_032383.5 (MANE Select); coding-DNA position 931, A replaced by T.
Protein change: p.Lys311Ter; replaces lysine 311 with a stop codon.
Molecular consequence: nonsense.
Genome position (GRCh38, 1-based): chr3:149,141,341, A>T. VCF-style: chr3-149141341-A-T. GRCh37 (hg19) VCF-style: chr3-148859128-A-T.
Other names: c.436A>T, p.Lys146Ter (NM_001308258.2); short protein forms K146*, K311*.
Identifiers: ClinVar variation 1725238 (VCV001725238.2), dbSNP rs371430031, ClinGen allele CA354913913.